The following is an entry in ClinVar:

NM_001374736.1(DST):c.4072C>T (p.Arg1358Ter)

Gene: DST (dystonin; minus strand). Cytogenetic location: 6p12.1.
Variant type: single nucleotide variant.
Coding change: c.4072C>T on transcript NM_001374736.1 (MANE Select); coding-DNA position 4072, C replaced by T.
Protein change: p.Arg1358Ter; replaces arginine 1358 with a stop codon.
Molecular consequence: nonsense.
Genome position (GRCh38, 1-based): chr6:56,631,281, G>A on the plus strand (C>T on the coding strand, the complement: DST is on the minus strand). VCF-style: chr6-56631281-G-A. GRCh37 (hg19) VCF-style: chr6-56496079-G-A.
Other names: c.3973C>T, p.Arg1325Ter (NM_001144769.5); c.3559C>T, p.Arg1187Ter (NM_001144770.2); c.4072C>T, p.Arg1358Ter (NM_001374722.1); c.3439C>T, p.Arg1147Ter (NM_001374729.1, NM_001374730.1, NM_001386100.1 and 1 more transcripts); c.4099C>T, p.Arg1367Ter (NM_001374734.1); c.2461C>T, p.Arg821Ter (NM_001723.7, NM_015548.5); short protein forms R821*, R1147*, R1325*, R1187*, R1358*, R1367*.
Identifiers: ClinVar variation 541461 (VCV000541461.7), dbSNP rs778397331, ClinGen allele CA3870983.

ClinVar aggregate classification (germline): Pathogenic (1 of 4 stars; one submission).

Conditions:
Hereditary sensory and autonomic neuropathy type 6. Also called: HSAN VI; Neuropathy, hereditary sensory and autonomic, type VI. Identifiers: Orphanet 314381, MedGen C3539003, MONDO:0013839, OMIM 614653.
Epidermolysis bullosa simplex 3, localized or generalized intermediate, with BP230 deficiency (EBS3). Also called: Epidermolysis bullosa simplex, autosomal recessive 2; Epidermolysis bullosa simplex due to BP230 deficiency. Identifiers: Orphanet 412181, MedGen C3809470, MONDO:0014180, OMIM 615425.

Allele frequency attached by ClinVar (database versions not stated): gnomAD exomes below 0.00001; ExAC 0.00001.
gnomAD v4.1: 2 of 1,613,870 alleles (0.00012%); highest among the groups gnomAD compares: Non-Finnish European, 0.00017%; no homozygotes.

Submission:

Labcorp Genetics (formerly Invitae), Labcorp
Classification: Pathogenic for Epidermolysis bullosa simplex 3, localized or generalized intermediate, with BP230 deficiency; Hereditary sensory and autonomic neuropathy type 6. Last evaluated: 2017-09-14. Review status: criteria provided, single submitter. Criteria: Invitae Variant Classification Sherloc (09022015). Collection method: clinical testing. Allele origin: germline.
Comment: Loss-of-function variants in DST are known to be pathogenic (PMID: 25059916). This sequence change creates a premature translational stop signal (p.Arg821*) in the DST gene. It is expected to result in an absent or disrupted protein product. This variant is present in population databases (rs778397331, ExAC 0.02%). This variant has not been reported in the literature in individuals with DST-related disease. For these reasons, this variant has been classified as Pathogenic.

Literature cited by the submitters: PubMed 25059916.